The following is an entry in ClinVar:

ClinVar aggregate classification (germline): Conflicting classifications of pathogenicity. Review status: criteria provided, conflicting classifications (1 of 4 stars). 2 submissions from 2 submitters: Uncertain significance (1); Likely benign (1). Last evaluated 2025-11-01.

Conditions:
Bethlem myopathy 1A. Also called: Bethlem myopathy 1; MYOPATHY, BENIGN CONGENITAL, WITH CONTRACTURES; Bethlem Muscular Dystrophy. Identifiers: Orphanet 610, MedGen CN029274, MONDO:0024530, OMIM 158810.

gnomAD v4.1: 3 of 1,603,948 alleles (0.00019%); highest among the groups gnomAD compares: Non-Finnish European, 0.00026%; no homozygotes.

Submissions (2):

Labcorp Genetics (formerly Invitae), Labcorp
Classification: Likely benign for Bethlem myopathy 1A. Last evaluated: 2025-11-01. Review status: criteria provided, single submitter. Criteria: Invitae Variant Classification Sherloc (09022015). Collection method: clinical testing. Allele origin: germline.

Women's Health and Genetics/Laboratory Corporation of America, LabCorp
Classification: Uncertain significance. Last evaluated: 2024-11-19. Review status: criteria provided, single submitter. Criteria: LabCorp Variant Classification Summary - May 2015. Collection method: clinical testing. Allele origin: germline.
Comment: Variant summary: COL6A2 c.115+7G>C alters a non-conserved nucleotide located close to a canonical splice site and therefore could affect mRNA splicing, leading to a significantly altered protein sequence. Consensus agreement among computation tools predict no significant impact on normal splicing. However, these predictions have yet to be confirmed by functional studies. The variant was absent in 245316 control chromosomes. The available data on variant occurrences in the general population are insufficient to allow any conclusion about variant significance. To our knowledge, no occurrence of c.115+7G>C in individuals affected with Ullrich congenital muscular dystrophy 1-AR and no experimental evidence demonstrating its impact on protein function have been reported. No submitters have cited clinical-significance assessments for this variant to ClinVar. Based on the evidence outlined above, the variant was classified as uncertain significance.

NM_001849.4(COL6A2):c.115+7G>C

Gene: COL6A2 (collagen type VI alpha 2 chain; plus strand). Cytogenetic location: 21q22.3.
Variant type: single nucleotide variant.
Coding change: c.115+7G>C on transcript NM_001849.4 (MANE Select); 7 bases into the intron after coding-DNA position 115, G replaced by C.
Molecular consequence: intron variant.
Genome position (GRCh38, 1-based): chr21:46,111,598, G>C. VCF-style: chr21-46111598-G-C. GRCh37 (hg19) VCF-style: chr21-47531512-G-C.
Other names: c.115+7G>C (NM_058175.3, NM_058174.3).
Identifiers: ClinVar variation 3629976 (VCV003629976.2).